The following is an entry in ClinVar:

NM_000245.4(MET):c.2583+4A>G

Gene: MET (MET proto-oncogene, receptor tyrosine kinase; plus strand). Cytogenetic location: 7q31.2.
Variant type: single nucleotide variant.
Coding change: c.2583+4A>G on transcript NM_000245.4 (MANE Select); 4 bases into the intron after coding-DNA position 2583, A replaced by G.
Molecular consequence: intron variant.
Genome position (GRCh38, 1-based): chr7:116,763,272, A>G. VCF-style: chr7-116763272-A-G. GRCh37 (hg19) VCF-style: chr7-116403326-A-G.
Other names: c.2637+4A>G (NM_001127500.3); c.1293+4A>G (NM_001324402.2); c.2583+4A>G (NM_001324401.3).
Identifiers: ClinVar variation 3872343 (VCV003872343.1).

ClinVar aggregate classification (germline): Uncertain significance (1 of 4 stars; one submission).

Conditions:
Hereditary cancer-predisposing syndrome. Also called: Tumor predisposition; Neoplastic Syndromes, Hereditary; Hereditary Cancer Syndrome; Hereditary neoplastic syndrome. Identifiers: Orphanet 140162, MedGen C0027672, MeSH D009386, MONDO:0015356.

gnomAD v4.1: 1 of 1,611,800 alleles (0.000062%); highest among the groups gnomAD compares: Non-Finnish European, 0.000085%; no homozygotes.

Submission:

Ambry Genetics
Classification: Uncertain significance for Hereditary cancer-predisposing syndrome. Last evaluated: 2024-12-20. Review status: criteria provided, single submitter. Criteria: Ambry Variant Classification Scheme 2023. Collection method: clinical testing. Allele origin: germline.
Comment: The c.2637+4A>G intronic variant results from an A to G substitution 4 nucleotides after coding exon 10 in the MET gene. This nucleotide position is highly conserved in available vertebrate species. In silico splice site analysis predicts that this alteration may weaken the native splice donor site. Based on the available evidence, the clinical significance of this variant remains unclear.